The following is an entry in ClinVar:

ClinVar aggregate classification (germline): Pathogenic (1 of 4 stars; one submission).

Submission:

Labcorp Genetics (formerly Invitae), Labcorp
Classification: Pathogenic. Last evaluated: 2023-08-10. Review status: criteria provided, single submitter. Criteria: Invitae Variant Classification Sherloc (09022015). Collection method: clinical testing. Allele origin: germline.
Comment: For these reasons, this variant has been classified as Pathogenic. This variant has not been reported in the literature in individuals affected with KMT2A-related conditions. This variant is not present in population databases (gnomAD no frequency). This sequence change creates a premature translational stop signal (p.Ala1253Profs*103) in the KMT2A gene. It is expected to result in an absent or disrupted protein product. Loss-of-function variants in KMT2A are known to be pathogenic (PMID: 22795537, 25810209, 29574747).

Literature cited by the submitters: PubMed 22795537; PubMed 25810209; PubMed 29574747.

NM_001197104.2(KMT2A):c.3757del (p.Ala1253fs)

Gene: KMT2A (lysine methyltransferase 2A; plus strand). Cytogenetic location: 11q23.3.
Variant type: Deletion.
Coding change: c.3757del on transcript NM_001197104.2 (MANE Select); coding-DNA position 3757, one base deleted (G; older notation c.3757delG).
Protein change: p.Ala1253fs; shifts the reading frame from alanine 1253.
Molecular consequence: frameshift variant.
Genome position (GRCh38, 1-based): chr11:118,481,837, G deleted. VCF-style (leftmost placement, unchanged base first): chr11-118481836-TG-T. GRCh37 (hg19) VCF-style: chr11-118352551-TG-T.
Other names: c.3856del, p.Ala1286fs (NM_001412597.1); c.3757del, p.Ala1253fs (NM_005933.4); short protein forms A1253fs, A1286fs.
Identifiers: ClinVar variation 2829177 (VCV002829177.3), dbSNP rs2496862861, ClinGen allele CA2739271732.
Genomic context (GRCh38, chr11:118,481,836, plus strand): 5'-TGTTGTGAAGAACGTGGTGGACTCTAGTCAGAAACCTACCCCATCAGCAAGAGAGGATCC[TG>T]CCCCAAAGAAAAGCAGTAGTGAGCCTCCTCCACGAAAGCCCGTCGAGGAAAAGAGTGAAG-3'